The following is an entry in ClinVar:

NM_000965.5(RARB):c.314del (p.Phe105fs)

Gene: RARB (retinoic acid receptor beta; plus strand). Cytogenetic location: 3p24.2.
Variant type: Deletion.
Coding change: c.314del on transcript NM_000965.5 (MANE Select); coding-DNA position 314, one base deleted (T; older notation c.314delT).
Protein change: p.Phe105fs; shifts the reading frame from phenylalanine 105.
Molecular consequence: frameshift variant. On other transcripts: 5 prime UTR variant (3), non-coding transcript variant (2).
Genome position (GRCh38, 1-based): chr3:25,501,189, T deleted; the last of 5 consecutive T bases (chr3:25,501,185-25,501,189); deleting any one gives the same sequence. VCF-style (leftmost placement, unchanged base first): chr3-25501184-CT-C. GRCh37 (hg19) VCF-style: chr3-25542675-CT-C.
Other names: c.335del, p.Phe112fs (NM_001290216.3); c.-23del (NM_001290217.2, NM_001290276.2, NM_016152.4); c.167del, p.Phe56fs (NM_001290266.2); c.314del, p.Phe105fs (NM_001290277.1); c.185del, p.Phe62fs (NM_001290300.2); short protein forms F105fs, F112fs, F56fs, F62fs.
Identifiers: ClinVar variation 3252443 (VCV003252443.1), dbSNP rs1366268898.

ClinVar aggregate classification (germline): Uncertain significance (1 of 4 stars; one submission).

Submission:

GeneDx
Classification: Uncertain significance. Last evaluated: 2024-01-06. Review status: criteria provided, single submitter. Criteria: GeneDx Variant Classification Process June 2021. Collection method: clinical testing. Allele origin: germline. Affected: yes.
Comment: Frameshift variant predicted to result in protein truncation or nonsense mediated decay in a gene for which loss of function is a known mechanism of disease; Has not been previously published as pathogenic or benign to our knowledge